The following is an entry in ClinVar:

ClinVar aggregate classification (germline): Pathogenic (1 of 4 stars; one submission).

Conditions:
Hermansky-Pudlak syndrome 3 (HPS3). Identifiers: Orphanet 231512, Orphanet 79430, MedGen C3888001, MONDO:0013555, OMIM 614072.

Submission:

Myriad Genetics, Inc.
Classification: Pathogenic for Hermansky-Pudlak syndrome 3. Last evaluated: 2024-05-14. Review status: criteria provided, single submitter. Criteria: Myriad Autosomal Dominant, Autosomal Recessive and X-Linked Classification Criteria (2023). Collection method: clinical testing. Allele origin: unknown.
Comment: NM_032383.3(HPS3):c.1685_1687delACAinsT(Y562Lfs*4) is expected to be pathogenic in the context of Hermansky-Pudlak syndrome, HPS3-related. This variant is predicted to lead to an abnormal or absent protein product due to the creation of a premature termination codon in HPS3, a gene where loss-of-function variants are known to be pathogenic. Please note: this variant was assessed in the context of healthy population screening.

NM_032383.5(HPS3):c.1685_1687delinsT (p.Tyr562fs)

Gene: HPS3 (HPS3 biogenesis of lysosomal organelles complex 2 subunit 1; plus strand). Cytogenetic location: 3q24.
Variant type: Indel.
Coding change: c.1685_1687delinsT on transcript NM_032383.5 (MANE Select); coding-DNA positions 1685 to 1687, ACA replaced by T.
Protein change: p.Tyr562fs; shifts the reading frame from tyrosine 562.
Molecular consequence: frameshift variant.
Genome position (GRCh38, 1-based): chr3:149,157,525-149,157,527, ACA replaced by T. VCF-style: chr3-149157525-ACA-T. GRCh37 (hg19) VCF-style: chr3-148875312-ACA-T.
Other names: c.1190_1192delinsT, p.Tyr397fs (NM_001308258.2); short protein forms Y397fs, Y562fs.
Identifiers: ClinVar variation 5010667 (VCV005010667.1).